The following is an entry in ClinVar:

NM_014244.5(ADAMTS2):c.1420G>A (p.Asp474Asn)

Gene: ADAMTS2 (ADAM metallopeptidase with thrombospondin type 1 motif 2; minus strand). Cytogenetic location: 5q35.3.
Variant type: single nucleotide variant.
Coding change: c.1420G>A on transcript NM_014244.5 (MANE Select); coding-DNA position 1420, G replaced by A.
Protein change: p.Asp474Asn; replaces aspartic acid 474 with asparagine.
Molecular consequence: missense variant.
Genome position (GRCh38, 1-based): chr5:179,153,586, C>T on the plus strand (G>A on the coding strand, the complement: ADAMTS2 is on the minus strand). VCF-style: chr5-179153586-C-T. GRCh37 (hg19) VCF-style: chr5-178580587-C-T.
Other names: c.1420G>A, p.Asp474Asn (NM_021599.4); short protein forms D474N.
Identifiers: ClinVar variation 861036 (VCV000861036.6), dbSNP rs750225306, ClinGen allele CA3595919.

ClinVar aggregate classification (germline): Uncertain significance. Review status: criteria provided, multiple submitters, no conflicts (2 of 4 stars). 3 submissions from 3 submitters: Uncertain significance (2). 1 of the submissions does not count toward it. Last evaluated 2026-03-16.

Conditions:
Ehlers-Danlos syndrome, dermatosparaxis type. Also called: Dermatosparaxis; EDS VIIC; Ehlers-Danlos syndrome, type VII, autosomal recessive. Identifiers: Orphanet 1901, MedGen C2700425, MONDO:0009161, OMIM 225410.

Allele frequency attached by ClinVar (database versions not stated): ExAC 0.00001; gnomAD 0.00001; gnomAD exomes 0.00001; TOPMed 0.00001.
gnomAD v4.1: 8 of 1,607,578 alleles (0.0005%); highest among the groups gnomAD compares: Non-Finnish European, 0.00059%; no homozygotes.

Submissions (3):

Women's Health and Genetics/Laboratory Corporation of America, LabCorp
Classification: Uncertain significance. Last evaluated: 2026-03-16. Review status: criteria provided, single submitter. Criteria: LabCorp Variant Classification Summary - May 2015. Collection method: clinical testing. Allele origin: germline.
Comment: Variant summary: ADAMTS2 c.1420G>A (p.Asp474Asn) results in a conservative amino acid change in the encoded protein sequence. Algorithms developed to predict the effect of missense changes on protein structure and function all suggest that this variant is likely to be tolerated. The variant allele was found at a frequency of 8.3e-06 in 242384 control chromosomes. The available data on variant occurrences in the general population are insufficient to allow any conclusion about variant significance. To our knowledge, no occurrence of c.1420G>A in individuals affected with ADAMTS2-related conditions and no experimental evidence demonstrating its impact on protein function have been reported. ClinVar contains an entry for this variant (Variation ID: 861036). Based on the evidence outlined above, the variant was classified as uncertain significance.

Labcorp Genetics (formerly Invitae), Labcorp
Classification: Uncertain significance for Ehlers-Danlos syndrome, dermatosparaxis type. Last evaluated: 2021-08-27. Review status: criteria provided, single submitter. Criteria: Invitae Variant Classification Sherloc (09022015). Collection method: clinical testing. Allele origin: germline.
Comment: This sequence change replaces aspartic acid with asparagine at codon 474 of the ADAMTS2 protein (p.Asp474Asn). The aspartic acid residue is highly conserved and there is a small physicochemical difference between aspartic acid and asparagine. This variant is present in population databases (rs750225306, ExAC 0.002%). This variant has not been reported in the literature in individuals affected with ADAMTS2-related conditions. Algorithms developed to predict the effect of missense changes on protein structure and function are either unavailable or do not agree on the potential impact of this missense change (SIFT: "Deleterious"; PolyPhen-2: "Benign"; Align-GVGD: "Class C15"). In summary, the available evidence is currently insufficient to determine the role of this variant in disease. Therefore, it has been classified as a Variant of Uncertain Significance.

Natera, Inc.
Classification: Uncertain significance for Ehlers-Danlos syndrome type VIIC. Last evaluated: 2020-09-16. Review status: no assertion criteria provided. Collection method: clinical testing. Allele origin: germline. Not counted in ClinVar's aggregate classification.